The following is an entry in ClinVar:

NM_001371727.1(GABRB2):c.327C>G (p.Asn109Lys)

Gene: GABRB2 (gamma-aminobutyric acid type A receptor subunit beta2; minus strand). Cytogenetic location: 5q34.
Variant type: single nucleotide variant.
Coding change: c.327C>G on transcript NM_001371727.1 (MANE Select); coding-DNA position 327, C replaced by G.
Protein change: p.Asn109Lys; replaces asparagine 109 with lysine.
Molecular consequence: missense variant.
Genome position (GRCh38, 1-based): chr5:161,459,755, G>C on the plus strand (C>G on the coding strand, the complement: GABRB2 is on the minus strand). VCF-style: chr5-161459755-G-C. GRCh37 (hg19) VCF-style: chr5-160886761-G-C.
Other names: c.327C>G, p.Asn109Lys (NM_000813.3, NM_021911.3); short protein forms N109K.
Identifiers: ClinVar variation 2575705 (VCV002575705.1), dbSNP rs2480000055, ClinGen allele CA362173984.

ClinVar aggregate classification (germline): Uncertain significance (1 of 4 stars; one submission).

Submission:

GeneDx
Classification: Uncertain significance. Last evaluated: 2023-08-12. Review status: criteria provided, single submitter. Criteria: GeneDx Variant Classification Process June 2021. Collection method: clinical testing. Allele origin: germline. Affected: yes.
Comment: Not observed at significant frequency in large population cohorts (gnomAD); In silico analysis supports that this missense variant has a deleterious effect on protein structure/function; Has not been previously published as pathogenic or benign to our knowledge